The following is an entry in ClinVar:

NM_001195.5(BFSP1):c.1151G>T (p.Gly384Val)

Gene: BFSP1 (beaded filament structural protein 1; minus strand). Cytogenetic location: 20p12.1.
Variant type: single nucleotide variant.
Coding change: c.1151G>T on transcript NM_001195.5 (MANE Select); coding-DNA position 1151, G replaced by T.
Protein change: p.Gly384Val; replaces glycine 384 with valine.
Molecular consequence: missense variant.
Genome position (GRCh38, 1-based): chr20:17,494,921, C>A on the plus strand (G>T on the coding strand, the complement: BFSP1 is on the minus strand). VCF-style: chr20-17494921-C-A. GRCh37 (hg19) VCF-style: chr20-17475566-C-A.
Other names: c.776G>T, p.Gly259Val (NM_001161705.2); c.734G>T, p.Gly245Val (NM_001278606.2, NM_001278608.2); c.818G>T, p.Gly273Val (NM_001278607.2); c.1043G>T, p.Gly348Val (NM_001424338.1); short protein forms G245V, G259V, G273V, G348V, G384V.
Identifiers: ClinVar variation 3353106 (VCV003353106.1).

ClinVar aggregate classification (germline): Uncertain significance (0 of 4 stars; one submission).

Conditions:
BFSP1-related disorder. Also called: BFSP1-related condition.

Submission:

PreventionGenetics, part of Exact Sciences
Classification: Uncertain significance for BFSP1-related condition. Last evaluated: 2024-04-16. Review status: no assertion criteria provided. Collection method: clinical testing. Allele origin: germline.
Comment: The BFSP1 c.1151G>T variant is predicted to result in the amino acid substitution p.Gly384Val. To our knowledge, this variant has not been reported in the literature or in a large population database, indicating this variant is rare. At this time, the clinical significance of this variant is uncertain due to the absence of conclusive functional and genetic evidence.